The following continues an entry in ClinVar:

NM_000465.4(BARD1):c.1835A>T (p.Asp612Val)

Gene: BARD1. ClinVar aggregate classification (germline): Conflicting classifications of pathogenicity. Uncertain significance (11); Likely benign (6).

Submissions 12 to 18 of 18:

St. Jude Molecular Pathology, St. Jude Children's Research Hospital
Classification: Uncertain significance for Familial cancer of breast. Last evaluated: 2022-07-07. Review status: criteria provided, single submitter. Criteria: St. Jude Assertion Criteria 2020. Collection method: clinical testing. Allele origin: germline.
Comment: The BARD1 c.1835A>T (p.Asp612Val) missense change has a maximum subpopulation frequency of 0.023% in gnomAD v2.1.1. Two individuals with this variant are reported in a database of women older than 70 years of age who have never had cancer (FLOSSIES). The in silico tool REVEL predicts a benign effect on protein function and functional analysis indicates that this variant has similar homology-directed repair compared to the wild-type (PMID: 30925164). This variant has been reported in an individual with early-onset breast cancer (PMID: 26787654) and in an individual with early-onset colorectal cancer (PMID: 28640387). In summary, the evidence currently available is insufficient to determine the clinical significance of this variant. It has therefore been classified as of uncertain significance.

Department of Pathology and Laboratory Medicine, Sinai Health System
Classification: Uncertain significance for Familial cancer of breast. Last evaluated: 2021-11-15. Review status: criteria provided, single submitter. Criteria: ACMG Guidelines, 2015. Collection method: clinical testing. Allele origin: germline. Affected: yes.

Sema4
Classification: Uncertain significance for Hereditary cancer-predisposing syndrome. Last evaluated: 2021-08-30. Review status: criteria provided, single submitter. Criteria: Sema4 Curation Guidelines. Collection method: curation. Allele origin: germline.
Comment: The BARD1 c.1835A>T (p.D612V) variant has been reported in heterozygosity in at least two individuals with breast cancer and one individual with colorectal cancer (PMID: 27153395, 28640387). However, it has also been seen in healthy controls (PMID: 26315354). In silico tools suggest the impact of the variant on protein function is inconclusive and a homologous recombination study demonstrated the normal function of the protein (PMID: 30925164). This variant was observed in 8/35430 chromosomes in the Latino population, with no homozygotes, according to the Genome Aggregation Database (PMID: 32461654). This variant has been reported in ClinVar (Variation ID: 142336). Based on the current evidence available, this variant is interpreted as a variant of uncertain significance.

Genetic Services Laboratory, University of Chicago
Classification: Uncertain significance. Last evaluated: 2020-02-06. Review status: criteria provided, single submitter. Criteria: ACMG Guidelines, 2015. Collection method: clinical testing. Allele origin: germline. Affected: no.
Comment: DNA sequence analysis of the BARD1 gene demonstrated a sequence change, c.1835A>T, in exon 9 that results in an amino acid change, p.Asp612Val. This sequence change does not appear to have been previously described in patients with BARD1-related disorders and has been described in the gnomAD database with a frequency of 0.023% in Latino populations (dbSNP rs201140528). The p.Asp612Val change affects a poorly conserved amino acid residue located in a domain of the BARD1 protein that is known to be functional. The p.Asp612Val substitution appears to be benign using several in-silico pathogenicity prediction tools (SIFT, PolyPhen2, Align GVGD, REVEL). Due to the lack of functional studies, the clinical significance of the p.Asp612Val change remains unknown at this time.

Ambry Genetics
Classification: Likely benign for Hereditary cancer-predisposing syndrome. Last evaluated: 2019-11-05. Review status: criteria provided, single submitter. Criteria: Ambry Variant Classification Scheme 2023. Collection method: clinical testing. Allele origin: germline.

Fulgent Genetics
Classification: Uncertain significance for Familial cancer of breast. Last evaluated: 2018-10-31. Review status: criteria provided, single submitter. Criteria: ACMG Guidelines, 2015. Collection method: clinical testing. Allele origin: unknown.

Counsyl
Classification: Uncertain significance for Familial cancer of breast. Last evaluated: 2017-03-28. Review status: no assertion criteria provided. Collection method: clinical testing. Allele origin: unknown. Not counted in ClinVar's aggregate classification.

Literature cited by the submitters: PubMed 35534704 (cited by Labcorp Genetics (formerly Invitae), Labcorp and Quest Diagnostics Nichols Institute San Juan Capistrano); PubMed 35595798 (cited by 3 submitters); PubMed 35957908 (cited by 3 submitters); PubMed 30925164 (cited by 6 submitters); PubMed 26315354 (cited by 6 submitters); PubMed 26787654 (cited by 5 submitters); PubMed 27153395 (cited by 3 submitters); PubMed 28640387 (cited by 4 submitters); PubMed 32658311 (cited by Women's Health and Genetics/Laboratory Corporation of America, LabCorp and Quest Diagnostics Nichols Institute San Juan Capistrano); PubMed 35768576 (cited by Women's Health and Genetics/Laboratory Corporation of America, LabCorp); PubMed 33471991 (cited by Quest Diagnostics Nichols Institute San Juan Capistrano); PubMed 27997549 (cited by Quest Diagnostics Nichols Institute San Juan Capistrano); PubMed 25085752 (cited by Myriad Genetics, Inc.).